The following is an entry in ClinVar:

ClinVar aggregate classification (germline): Likely pathogenic (1 of 4 stars; one submission).

Conditions:
Retinitis pigmentosa 56 (RP56). Identifiers: Orphanet 791, MedGen C3150819, MONDO:0013314, OMIM 613581.

Submission:

3billion
Classification: Likely pathogenic for Retinitis pigmentosa 56. Last evaluated: 2024-01-11. Review status: criteria provided, single submitter. Criteria: ACMG Guidelines, 2015. Collection method: clinical testing. Allele origin: germline. Affected: yes.
Comment: The variant is not observed in the gnomAD v2.1.1 dataset. Predicted consequence: Canonical splice site - predicted to alter splicing and result in a loss or disruption of normal protein function. Multiple pathogenic loss-of-function variants are reported downstream of the variant. Therefore, the variant is classified as likely pathogenic according to the recommendation of ACMG/AMP guideline.

NM_016247.4(IMPG2):c.829-3_829-1delinsT

Gene: IMPG2 (interphotoreceptor matrix proteoglycan 2; minus strand). Cytogenetic location: 3q12.3.
Variant type: Indel.
Coding change: c.829-3_829-1delinsT on transcript NM_016247.4 (MANE Select); 3 bases into the intron before coding-DNA position 829 through the canonical splice acceptor site of the intron before coding-DNA position 829, CAG replaced by T.
Molecular consequence: splice acceptor variant.
Genome position (GRCh38, 1-based): chr3:101,269,574-101,269,576, CTG replaced by A on the plus strand (CAG replaced by T on the coding strand, the reverse complement: IMPG2 is on the minus strand). VCF-style: chr3-101269574-CTG-A. GRCh37 (hg19) VCF-style: chr3-100988418-CTG-A.
Identifiers: ClinVar variation 3775260 (VCV003775260.1).